The following is an entry in ClinVar:

ClinVar aggregate classification (germline): Uncertain significance (1 of 4 stars; one submission).

gnomAD v4.1: 11 of 1,612,424 alleles (0.00068%); highest among the groups gnomAD compares: Non-Finnish European, 0.00093%; no homozygotes.

Submission:

Labcorp Genetics (formerly Invitae), Labcorp
Classification: Uncertain significance. Last evaluated: 2025-07-21. Review status: criteria provided, single submitter. Criteria: Invitae Variant Classification Sherloc (09022015). Collection method: clinical testing. Allele origin: germline.
Comment: This sequence change replaces proline, which is neutral and non-polar, with serine, which is neutral and polar, at codon 89 of the CRB2 protein (p.Pro89Ser). This variant is present in population databases (no rsID available, gnomAD 0.002%). This variant has not been reported in the literature in individuals affected with CRB2-related conditions. ClinVar contains an entry for this variant (Variation ID: 1962680). Invitae Evidence Modeling of protein sequence and biophysical properties (such as structural, functional, and spatial information, amino acid conservation, physicochemical variation, residue mobility, and thermodynamic stability) indicates that this missense variant is not expected to disrupt CRB2 protein function with a negative predictive value of 95%. In summary, the available evidence is currently insufficient to determine the role of this variant in disease. Therefore, it has been classified as a Variant of Uncertain Significance.

NM_173689.7(CRB2):c.265C>T (p.Pro89Ser)

Gene: CRB2 (crumbs cell polarity complex component 2; plus strand). Cytogenetic location: 9q33.3.
Variant type: single nucleotide variant.
Coding change: c.265C>T on transcript NM_173689.7 (MANE Select); coding-DNA position 265, C replaced by T.
Protein change: p.Pro89Ser; replaces proline 89 with serine.
Molecular consequence: missense variant.
Genome position (GRCh38, 1-based): chr9:123,363,035, C>T. VCF-style: chr9-123363035-C-T. GRCh37 (hg19) VCF-style: chr9-126125314-C-T.
Other names: short protein forms P89S.
Identifiers: ClinVar variation 1962680 (VCV001962680.5), dbSNP rs1395295954, ClinGen allele CA374853856.